The following is an entry in ClinVar:

NM_152594.3(SPRED1):c.1078A>G (p.Lys360Glu)

Gene: SPRED1 (sprouty related EVH1 domain containing 1; plus strand). Cytogenetic location: 15q14.
Variant type: single nucleotide variant.
Coding change: c.1078A>G on transcript NM_152594.3 (MANE Select); coding-DNA position 1078, A replaced by G.
Protein change: p.Lys360Glu; replaces lysine 360 with glutamic acid.
Molecular consequence: missense variant.
Genome position (GRCh38, 1-based): chr15:38,351,407, A>G. VCF-style: chr15-38351407-A-G. GRCh37 (hg19) VCF-style: chr15-38643608-A-G.
Other names: c.1078A>G (NM_152594.2); short protein forms K360E.
Identifiers: ClinVar variation 1964458 (VCV001964458.7), dbSNP rs374685699, ClinGen allele CA269293459.

ClinVar aggregate classification (germline): Uncertain significance. Review status: criteria provided, multiple submitters, no conflicts (2 of 4 stars). 2 submissions from 2 submitters: Uncertain significance (2). Last evaluated 2025-10-23.

Conditions:
Cardiovascular phenotype. Identifiers: MedGen CN230736.
Legius syndrome. Identifiers: Orphanet 137605, MedGen C1969623, MONDO:0012669, OMIM 611431. Disease mechanism: loss of function.

Allele frequency attached by ClinVar (database versions not stated): TOPMed 0.00002; gnomAD 0.00003; ESP Exome Variant Server 0.00008.
gnomAD v4.1: 4 of 1,614,052 alleles (0.00025%); highest among the groups gnomAD compares: African/African-American, 0.0053%; no homozygotes.

Submissions (2):

Ambry Genetics
Classification: Uncertain significance for Cardiovascular phenotype. Last evaluated: 2025-10-23. Review status: criteria provided, single submitter. Criteria: Ambry Variant Classification Scheme 2023. Collection method: clinical testing. Allele origin: germline.

Labcorp Genetics (formerly Invitae), Labcorp
Classification: Uncertain significance for Legius syndrome. Last evaluated: 2022-09-23. Review status: criteria provided, single submitter. Criteria: Invitae Variant Classification Sherloc (09022015). Collection method: clinical testing. Allele origin: germline.
Comment: This sequence change replaces lysine, which is basic and polar, with glutamic acid, which is acidic and polar, at codon 360 of the SPRED1 protein (p.Lys360Glu). This variant is present in population databases (rs374685699, gnomAD 0.01%). This variant has not been reported in the literature in individuals affected with SPRED1-related conditions. Advanced modeling of protein sequence and biophysical properties (such as structural, functional, and spatial information, amino acid conservation, physicochemical variation, residue mobility, and thermodynamic stability) performed at Invitae indicates that this missense variant is not expected to disrupt SPRED1 protein function. In summary, the available evidence is currently insufficient to determine the role of this variant in disease. Therefore, it has been classified as a Variant of Uncertain Significance.